The following is an entry in ClinVar:

NM_000077.5(CDKN2A):c.150G>C (p.Gln50His)

Gene: CDKN2A (cyclin dependent kinase inhibitor 2A; minus strand). Cytogenetic location: 9p21.3.
Variant type: single nucleotide variant.
Coding change: c.150G>C on transcript NM_000077.5; coding-DNA position 150, G replaced by C.
Protein change: p.Gln50His; replaces glutamine 50 with histidine.
Molecular consequence: missense variant (on NM_000077.6). On other transcripts: intron variant (2).
Genome position (GRCh38, 1-based): chr9:21,974,678, C>G on the plus strand (G>C on the coding strand, the complement: CDKN2A is on the minus strand). VCF-style: chr9-21974678-C-G. GRCh37 (hg19) VCF-style: chr9-21974677-C-G.
Other names: c.150G>C, p.Gln50His (NM_000077.6, NM_001195132.2, NM_058197.5); c.-3-3470G>C (NM_001363763.2); c.194-3470G>C (NM_058195.4); short protein forms Q50H.
Identifiers: ClinVar variation 1045852 (VCV001045852.16), dbSNP rs1057519882, ClinGen allele CA373086476.

ClinVar aggregate classification (germline): Conflicting classifications of pathogenicity. Review status: criteria provided, conflicting classifications (1 of 4 stars). 4 submissions from 4 submitters: Likely pathogenic (1); Uncertain significance (3). Last evaluated 2026-02-25.

Conditions:
Hereditary cancer-predisposing syndrome. Also called: Hereditary Cancer Syndrome; Tumor predisposition; Hereditary neoplastic syndrome; Neoplastic Syndromes, Hereditary. Identifiers: Orphanet 140162, MedGen C0027672, MeSH D009386, MONDO:0015356.
Familial melanoma. Also called: Hereditary melanoma; Hereditary cutaneous melanoma. Identifiers: Orphanet 618, MedGen C1512419, MONDO:0018961.

Submissions (4):

Ambry Genetics
Classification: Likely pathogenic for Hereditary cancer-predisposing syndrome. Last evaluated: 2026-02-25. Review status: criteria provided, single submitter. Criteria: Ambry Variant Classification Scheme 2023. Collection method: clinical testing. Allele origin: germline.
Comment: The p.Q50H variant (also known as c.150G>C), located in coding exon 1 of the CDKN2A gene, results from a G to C substitution at nucleotide position 150. The glutamine at codon 50 is replaced by histidine, an amino acid with highly similar properties. However, this change occurs in the last base pair of coding exon 1, which makes it likely to have some effect on normal mRNA splicing. This variant is considered to be rare based on population cohorts in the Genome Aggregation Database (gnomAD). The nucleotide and amino acid positions are highly conserved in available vertebrate species. In silico splice site analysis predicts that this alteration will weaken the native splice donor site; however, direct evidence is insufficient at this time (Ambry internal data). In addition, as a missense substitution this alteration is predicted to be deleterious by in silico analysis. Based on the majority of available evidence to date, this variant is likely to be pathogenic.

Quest Diagnostics Nichols Institute San Juan Capistrano
Classification: Uncertain significance. Last evaluated: 2025-07-12. Review status: criteria provided, single submitter. Criteria: Quest Diagnostics criteria. Collection method: clinical testing. Allele origin: unknown.
Comment: The CDKN2A c.150G>C (p.Gln50His) variant has been reported in the published literature in individuals with pancreatic cancer (PMID: 38961426 (2024)), and lung squamous cell carcinoma (PMID: 31925297 (2020)). This variant has not been reported in large, multi-ethnic general populations (Genome Aggregation Database). Analysis of this variant using bioinformatics tools for the prediction of the effect of amino acid changes on protein structure and function yielded predictions that this variant is damaging. Additional analysis using software algorithms for the prediction of the effect of nucleotide changes on splicing yielded predictions that this variant may affect proper CDKN2A mRNA splicing. Based on the available information, we are unable to determine the clinical significance of this variant.

GeneDx
Classification: Uncertain significance. Last evaluated: 2024-09-30. Review status: criteria provided, single submitter. Criteria: GeneDx Variant Classification Process June 2021. Collection method: clinical testing. Allele origin: germline. Affected: yes.
Comment: Not observed at significant frequency in large population cohorts (gnomAD); In silico analysis supports that this missense variant has a deleterious effect on protein structure/function; Has not been previously published as pathogenic or benign to our knowledge; In silico analysis is inconclusive as to whether the variant alters gene splicing. In the absence of RNA/functional studies, the actual effect of this sequence change is unknown.; This variant is associated with the following publications: (PMID: 9529249, 9653180, 16173922)

Labcorp Genetics (formerly Invitae), Labcorp
Classification: Uncertain significance for Familial melanoma. Last evaluated: 2024-09-06. Review status: criteria provided, single submitter. Criteria: Invitae Variant Classification Sherloc (09022015). Collection method: clinical testing. Allele origin: germline.
Comment: This sequence change replaces glutamine, which is neutral and polar, with histidine, which is basic and polar, at codon 50 of the CDKN2A (p16INK4a) protein (p.Gln50His). This variant also falls at the last nucleotide of exon 1, which is part of the consensus splice site for this exon. This variant is not present in population databases (gnomAD no frequency). This variant has not been reported in the literature in individuals affected with CDKN2A (p16INK4a)-related conditions. ClinVar contains an entry for this variant (Variation ID: 1045852). An algorithm developed to predict the effect of missense changes on protein structure and function (PolyPhen-2) suggests that this variant is likely to be disruptive. Variants that disrupt the consensus splice site are a relatively common cause of aberrant splicing (PMID: 17576681, 9536098). Algorithms developed to predict the effect of sequence changes on RNA splicing suggest that this variant may disrupt the consensus splice site. In summary, the available evidence is currently insufficient to determine the role of this variant in disease. Therefore, it has been classified as a Variant of Uncertain Significance.

Literature cited by the submitters: PubMed 38961426 (cited by Ambry Genetics and Quest Diagnostics Nichols Institute San Juan Capistrano); PubMed 29936259 (cited by Quest Diagnostics Nichols Institute San Juan Capistrano); PubMed 31925297 (cited by Quest Diagnostics Nichols Institute San Juan Capistrano); PubMed 17576681 (cited by Labcorp Genetics (formerly Invitae), Labcorp); PubMed 9536098 (cited by Labcorp Genetics (formerly Invitae), Labcorp).